The following is an entry in ClinVar:

NM_004958.4(MTOR):c.5352C>T (p.Arg1784=)

Gene: MTOR (mechanistic target of rapamycin kinase; minus strand). Cytogenetic location: 1p36.22.
Variant type: single nucleotide variant.
Coding change: c.5352C>T on transcript NM_004958.4 (MANE Select); coding-DNA position 5352, C replaced by T.
Protein change: p.Arg1784=; no amino-acid change (arginine 1784 retained).
Molecular consequence: synonymous variant.
Genome position (GRCh38, 1-based): chr1:11,133,092, G>A on the plus strand (C>T on the coding strand, the complement: MTOR is on the minus strand). VCF-style: chr1-11133092-G-A. GRCh37 (hg19) VCF-style: chr1-11193149-G-A.
Other names: c.5352C>T, p.Arg1784= (NM_001386500.1); c.4104C>T, p.Arg1368= (NM_001386501.1).
Identifiers: ClinVar variation 1123529 (VCV001123529.13), dbSNP rs1458034649, ClinGen allele CA415921893.

ClinVar aggregate classification (germline): Likely benign. Review status: criteria provided, multiple submitters, no conflicts (2 of 4 stars). 2 submissions from 2 submitters: Likely benign (2). Last evaluated 2026-02-01.

Allele frequency attached by ClinVar (database versions not stated): gnomAD 0.00001; TOPMed 0.00002.
gnomAD v4.1: 5 of 1,613,998 alleles (0.00031%); highest among the groups gnomAD compares: Admixed American, 0.0083%; no homozygotes.

Submissions (2):

CeGaT Center for Human Genetics Tuebingen
Classification: Likely benign. Last evaluated: 2026-02-01. Review status: criteria provided, single submitter. Criteria: CeGaT Center For Human Genetics Tuebingen Variant Classification Criteria Version 2. Collection method: clinical testing. Allele origin: germline. Affected: yes. Observed: 1 variant allele.
Comment: MTOR: BP4

Labcorp Genetics (formerly Invitae), Labcorp
Classification: Likely benign. Last evaluated: 2025-10-01. Review status: criteria provided, single submitter. Criteria: Invitae Variant Classification Sherloc (09022015). Collection method: clinical testing. Allele origin: germline.